The following is an entry in ClinVar:

ClinVar aggregate classification (germline): Uncertain significance. Review status: criteria provided, multiple submitters, no conflicts (2 of 4 stars). 5 submissions from 5 submitters: Uncertain significance (5). Last evaluated 2025-08-09.

Conditions:
Hereditary cancer-predisposing syndrome. Also called: Neoplastic Syndromes, Hereditary; Tumor predisposition; Hereditary Cancer Syndrome; Hereditary neoplastic syndrome. Identifiers: Orphanet 140162, MedGen C0027672, MeSH D009386, MONDO:0015356.
Isolated focal cortical dysplasia type II (FCORD2). Also called: Focal cortical dysplasia type II; CORTICAL DYSPLASIA OF TAYLOR. Identifiers: Orphanet 268994, MedGen C1846385, MONDO:0011818, OMIM 607341, HP:0032051.
Tuberous sclerosis 2 (TSC2). Identifiers: Orphanet 805, MedGen C1860707, MONDO:0013199, OMIM 613254.

gnomAD v4.1: 1 of 1,612,344 alleles (0.000062%); highest among the groups gnomAD compares: Admixed American, 0.0017%; no homozygotes.

Submissions (5):

Labcorp Genetics (formerly Invitae), Labcorp
Classification: Uncertain significance for Tuberous sclerosis 2. Last evaluated: 2025-08-09. Review status: criteria provided, single submitter. Criteria: Invitae Variant Classification Sherloc (09022015). Collection method: clinical testing. Allele origin: germline.
Comment: This sequence change replaces valine, which is neutral and non-polar, with leucine, which is neutral and non-polar, at codon 241 of the TSC2 protein (p.Val241Leu). This variant is not present in population databases (gnomAD no frequency). This variant has not been reported in the literature in individuals affected with TSC2-related conditions. ClinVar contains an entry for this variant (Variation ID: 535999). Invitae Evidence Modeling of protein sequence and biophysical properties (such as structural, functional, and spatial information, amino acid conservation, physicochemical variation, residue mobility, and thermodynamic stability) indicates that this missense variant is not expected to disrupt TSC2 protein function with a negative predictive value of 95%. In summary, the available evidence is currently insufficient to determine the role of this variant in disease. Therefore, it has been classified as a Variant of Uncertain Significance.

Baylor Genetics
Classification: Uncertain significance for Isolated focal cortical dysplasia type II. Last evaluated: 2024-02-19. Review status: criteria provided, single submitter. Criteria: ACMG Guidelines, 2015. Collection method: clinical testing. Allele origin: unknown.

Ambry Genetics
Classification: Uncertain significance for Hereditary cancer-predisposing syndrome. Last evaluated: 2021-11-23. Review status: criteria provided, single submitter. Criteria: Ambry Variant Classification Scheme 2023. Collection method: clinical testing. Allele origin: germline.
Comment: The p.V241L variant (also known as c.721G>C), located in coding exon 7 of the TSC2 gene, results from a G to C substitution at nucleotide position 721. The valine at codon 241 is replaced by leucine, an amino acid with highly similar properties. This amino acid position is not well conserved in available vertebrate species. In addition, the in silico prediction for this alteration is inconclusive. Since supporting evidence is limited at this time, the clinical significance of this alteration remains unclear.

Genome-Nilou Lab
Classification: Uncertain significance for Tuberous sclerosis 2. Last evaluated: 2021-11-07. Review status: criteria provided, single submitter. Criteria: ACMG Guidelines, 2015. Collection method: clinical testing. Allele origin: germline. Affected: no.

GeneDx
Classification: Uncertain significance. Last evaluated: 2019-12-16. Review status: criteria provided, single submitter. Criteria: GeneDx Variant Classification Process June 2021. Collection method: clinical testing. Allele origin: germline. Affected: yes.
Comment: Not observed in large population cohorts (Lek et al., 2016); In silico analysis, which includes protein predictors and evolutionary conservation, supports that this variant does not alter protein structure/function; Missense variants in nearby residues reported in the Human Gene Mutation Database (Stenson et al., 2014); Has not been previously published as pathogenic or benign to our knowledge

NM_000548.5(TSC2):c.721G>C (p.Val241Leu)

Gene: TSC2 (TSC complex subunit 2; plus strand). Cytogenetic location: 16p13.3.
Variant type: single nucleotide variant.
Coding change: c.721G>C on transcript NM_000548.5 (MANE Select); coding-DNA position 721, G replaced by C.
Protein change: p.Val241Leu; replaces valine 241 with leucine.
Molecular consequence: missense variant.
Genome position (GRCh38, 1-based): chr16:2,056,716, G>C. VCF-style: chr16-2056716-G-C. GRCh37 (hg19) VCF-style: chr16-2106717-G-C.
Other names: c.721G>C, p.Val241Leu (NM_001077183.3, NM_001114382.3, NM_001363528.2 and 3 more transcripts); c.610G>C, p.Val204Leu (NM_001318827.2); c.574G>C, p.Val192Leu (NM_001318829.2); c.121G>C, p.Val41Leu (NM_001318831.2); c.754G>C, p.Val252Leu (NM_001318832.2); short protein forms V241L, V252L, V192L, V204L, V41L.
Identifiers: ClinVar variation 535999 (VCV000535999.16), dbSNP rs200943828, ClinGen allele CA394312728.